The following is an entry in ClinVar:

ClinVar aggregate classification (germline): Uncertain significance (1 of 4 stars; one submission).

gnomAD v4.1: 2 of 1,612,150 alleles (0.00012%); highest among the groups gnomAD compares: African/African-American, 0.0013%; no homozygotes.

Submission:

GeneDx
Classification: Uncertain significance. Last evaluated: 2022-03-07. Review status: criteria provided, single submitter. Criteria: GeneDx Variant Classification Process June 2021. Collection method: clinical testing. Allele origin: germline. Affected: yes.
Comment: Not observed at significant frequency in large population cohorts (gnomAD); In silico analysis supports that this missense variant does not alter protein structure/function; Has not been previously published as pathogenic or benign to our knowledge; This variant is associated with the following publications: (PMID: 27535533)

NM_006852.6(TLK2):c.523T>G (p.Phe175Val)

Gene: TLK2 (tousled like kinase 2; plus strand). Cytogenetic location: 17q23.2.
Variant type: single nucleotide variant.
Coding change: c.523T>G on transcript NM_006852.6 (MANE Select); coding-DNA position 523, T replaced by G.
Protein change: p.Phe175Val; replaces phenylalanine 175 with valine.
Molecular consequence: missense variant.
Genome position (GRCh38, 1-based): chr17:62,536,329, T>G. VCF-style: chr17-62536329-T-G. GRCh37 (hg19) VCF-style: chr17-60613690-T-G.
Other names: c.523T>G, p.Phe175Val (NM_001284333.3, NM_001375270.1, NM_001375271.1); c.427T>G, p.Phe143Val (NM_001284363.1, NM_001375272.1); c.76T>G, p.Phe26Val (NM_001330418.3, NM_001375273.1); c.565T>G, p.Phe189Val (NM_001375269.1); short protein forms F143V, F175V, F189V, F26V.
Identifiers: ClinVar variation 1343926 (VCV001343926.2), dbSNP rs2145841879, ClinGen allele CA400518298.